The following is an entry in ClinVar:

ClinVar aggregate classification (germline): Pathogenic/Likely pathogenic. Review status: criteria provided, multiple submitters, no conflicts (2 of 4 stars). 2 submissions from 2 submitters: Pathogenic (1); Likely pathogenic (1). Last evaluated 2025-09-24.

Conditions:
Congenital lipoid adrenal hyperplasia due to STAR deficency. Also called: ADRENAL HYPERPLASIA I; Cholesterol monooxygenase (side-chain cleaving) deficiency; Congenital Lipoid Adrenal Hyperplasia; Lipoid adrenal hyperplasia. Identifiers: Orphanet 418, Orphanet 90790, MedGen C0342474, MONDO:0008725, OMIM 201710.

Submissions (2):

Women's Health and Genetics/Laboratory Corporation of America, LabCorp
Classification: Pathogenic for Congenital lipoid adrenal hyperplasia due to STAR deficency. Last evaluated: 2025-09-24. Review status: criteria provided, single submitter. Criteria: LabCorp Variant Classification Summary - May 2015. Collection method: clinical testing. Allele origin: germline.
Comment: Variant summary: STAR c.37T>C (p.Ser13Pro) results in a non-conservative amino acid change in the encoded protein sequence. Algorithms developed to predict the effect of missense changes on protein structure and function all suggest that this variant is likely to be disruptive. The variant was absent in 247120 control chromosomes (gnomAD). c.37T>C has been observed in 3 homozygous individuals affected with Congenital Lipoid Adrenal Hyperplasia (Guran_2016). These data indicate that the variant is very likely to be associated with disease. To our knowledge, no experimental evidence demonstrating an impact on protein function has been reported. The following publication has been ascertained in the context of this evaluation (PMID: 26523528). ClinVar contains an entry for this variant (Variation ID: 4062011). Based on the evidence outlined above, the variant was classified as pathogenic.

Natera, Inc.
Classification: Likely pathogenic for Congenital lipoid adrenal hyperplasia. Last evaluated: 2025-02-04. Review status: criteria provided, single submitter. Criteria: Natera Variant Classification Schema (03/2026). Collection method: clinical testing. Allele origin: germline.
Comment: The c.37T>C variant in STAR is a missense variant predicted to cause substitution of serine to proline at amino acid 13. This variant is rare in the general population with a frequency below the threshold expected for the associated phenotype(s). This variant has been observed in one or more individuals affected with the associated recessive disease, as either homozygous or compound heterozygous with a second variant (PMID: 26523528). Additionally, this variant has been observed to segregate in affected family members (PMID: 26523528). Computational prediction algorithms indicate this variant is likely to affect gene or protein function. Given the available evidence, this variant is classified as Likely Pathogenic.

Literature cited by the submitters: PubMed 26523528 (cited by Women's Health and Genetics/Laboratory Corporation of America, LabCorp and Natera, Inc.).

NM_000349.3(STAR):c.37T>C (p.Ser13Pro)

Gene: STAR (steroidogenic acute regulatory protein; minus strand). Cytogenetic location: 8p11.23.
Variant type: single nucleotide variant.
Coding change: c.37T>C on transcript NM_000349.3 (MANE Select); coding-DNA position 37, T replaced by C.
Protein change: p.Ser13Pro; replaces serine 13 with proline.
Molecular consequence: missense variant.
Genome position (GRCh38, 1-based): chr8:38,150,782, A>G on the plus strand (T>C on the coding strand, the complement: STAR is on the minus strand). VCF-style: chr8-38150782-A-G. GRCh37 (hg19) VCF-style: chr8-38008300-A-G.
Other names: short protein forms S13P.
Identifiers: ClinVar variation 4062011 (VCV004062011.3).